The following is an entry in ClinVar:

NM_198586.3(NHLRC1):c.26G>T (p.Gly9Val)

Gene: NHLRC1 (NHL repeat containing E3 ubiquitin protein ligase 1; minus strand). Cytogenetic location: 6p22.3.
Variant type: single nucleotide variant.
Coding change: c.26G>T on transcript NM_198586.3 (MANE Select); coding-DNA position 26, G replaced by T.
Protein change: p.Gly9Val; replaces glycine 9 with valine.
Molecular consequence: missense variant.
Genome position (GRCh38, 1-based): chr6:18,122,581, C>A on the plus strand (G>T on the coding strand, the complement: NHLRC1 is on the minus strand). VCF-style: chr6-18122581-C-A. GRCh37 (hg19) VCF-style: chr6-18122812-C-A.
Other names: short protein forms G9V.
Identifiers: ClinVar variation 2153754 (VCV002153754.4), dbSNP rs1193160309, ClinGen allele CA362829754.

ClinVar aggregate classification (germline): Uncertain significance (1 of 4 stars; one submission).

Conditions:
Lafora disease. Also called: Epilepsy progressive myoclonic 2; Progressive Myoclonus Epilepsy, Lafora Type. Identifiers: Orphanet 501, MedGen C0751783, MONDO:0009697.

Submission:

Labcorp Genetics (formerly Invitae), Labcorp
Classification: Uncertain significance for Lafora disease. Last evaluated: 2022-05-21. Review status: criteria provided, single submitter. Criteria: Invitae Variant Classification Sherloc (09022015). Collection method: clinical testing. Allele origin: germline.
Comment: In summary, the available evidence is currently insufficient to determine the role of this variant in disease. Therefore, it has been classified as a Variant of Uncertain Significance. Algorithms developed to predict the effect of missense changes on protein structure and function (SIFT, PolyPhen-2, Align-GVGD) all suggest that this variant is likely to be tolerated. This variant has not been reported in the literature in individuals affected with NHLRC1-related conditions. This variant is not present in population databases (gnomAD no frequency). This sequence change replaces glycine, which is neutral and non-polar, with valine, which is neutral and non-polar, at codon 9 of the NHLRC1 protein (p.Gly9Val).